The following is an entry in ClinVar:

NM_000051.4(ATM):c.8477A>G (p.Asn2826Ser)

Genes: C11orf65 (chromosome 11 open reading frame 65; minus strand), ATM (ATM serine/threonine kinase; plus strand). Cytogenetic location: 11q22.3.
Variant type: single nucleotide variant.
Coding change: c.8477A>G on transcript NM_000051.4 (MANE Select); coding-DNA position 8477, A replaced by G.
Protein change: p.Asn2826Ser; replaces asparagine 2826 with serine.
Molecular consequence: missense variant. On other transcripts: intron variant (2).
Genome position (GRCh38, 1-based): chr11:108,345,801, A>G. VCF-style: chr11-108345801-A-G. GRCh37 (hg19) VCF-style: chr11-108216528-A-G.
Other names: c.8477A>G, p.Asn2826Ser (NM_001351834.2); c.641-36730T>C (NM_001330368.2); c.695-10509T>C (NM_001351110.2); short protein forms N2826S.
Identifiers: ClinVar variation 822476 (VCV000822476.13), dbSNP rs1591264493, ClinGen allele CA382518026.
Genomic context (GRCh38, chr11:108,345,801, plus strand): 5'-AGGAGGTGCAAAAAAAGTCTTTTGAAGAGAAATATGAAGTCTTCATGGATGTTTGCCAAA[A>G]TTTTCAACCAGTTTTCCGTTACTTCTGCATGGAAAAATTCTTGGATCCAGCTATTTGGTT-3'
Protein context (NP_000042.3, residues 2816-2836): KYEVFMDVCQ[Asn2826Ser]FQPVFRYFCM

ClinVar aggregate classification (germline): Uncertain significance. Review status: criteria provided, multiple submitters, no conflicts (2 of 4 stars). 3 submissions from 3 submitters: Uncertain significance (3). Last evaluated 2024-11-03.

Conditions:
Hereditary cancer-predisposing syndrome. Also called: Tumor predisposition; Neoplastic Syndromes, Hereditary; Hereditary Cancer Syndrome; Hereditary neoplastic syndrome. Identifiers: Orphanet 140162, MedGen C0027672, MeSH D009386, MONDO:0015356.
Ataxia-telangiectasia syndrome (AT). Also called: ATAXIA-TELANGIECTASIA, COMPLEMENTATION GROUP A; ATAXIA-TELANGIECTASIA, FRESNO VARIANT; Ataxia-telangiectasia; Ataxia-telangiectasia, complementation group D; AT, COMPLEMENTATION GROUP C; Ataxia-telangiectasia, complementation group E. Identifiers: Orphanet 100, MedGen C0004135, MONDO:0008840, OMIM 208900.
Familial cancer of breast. Also called: Hereditary breast cancer; BREAST CANCER, FAMILIAL; hereditary breast carcinoma. Identifiers: Orphanet 227535, MedGen C0346153, MONDO:0016419, OMIM 114480. Disease mechanism: loss of function.

Submissions (3):

KCCC/NGS Laboratory, Kuwait Cancer Control Center
Classification: Uncertain significance for Familial cancer of breast. Last evaluated: 2024-11-03. Review status: criteria provided, single submitter. Criteria: ACMG Guidelines, 2015. Collection method: clinical testing. Allele origin: germline. Inheritance: Autosomal dominant inheritance. Affected: yes. Observed: 1 heterozygote.
Comment: sequence change replaces asparagine, which is neutral and polar, with serine, which is neutral and polar, at codon 2826 of the ATM protein (p.Asn2826Ser). This variant is not present in population databases (gnomAD no frequency). This variant has not been reported in the literature in individuals affected with ATM-related conditions. ClinVar contains an entry for this variant (Variation ID: 822476). An algorithm developed to predict the effect of missense changes on protein structure and function (PolyPhen-2) suggests that this variant¬†is likely to be tolerated. In summary, the available evidence is currently insufficient to determine the role of this variant in disease. Therefore, it has been classified as a Variant of Uncertain Significance.

Labcorp Genetics (formerly Invitae), Labcorp
Classification: Uncertain significance for Ataxia-telangiectasia syndrome. Last evaluated: 2023-08-17. Review status: criteria provided, single submitter. Criteria: Invitae Variant Classification Sherloc (09022015). Collection method: clinical testing. Allele origin: germline.
Comment: An algorithm developed to predict the effect of missense changes on protein structure and function (PolyPhen-2) suggests that this variant is likely to be tolerated. This sequence change replaces asparagine, which is neutral and polar, with serine, which is neutral and polar, at codon 2826 of the ATM protein (p.Asn2826Ser). This variant is not present in population databases (gnomAD no frequency). This variant has not been reported in the literature in individuals affected with ATM-related conditions. ClinVar contains an entry for this variant (Variation ID: 822476). In summary, the available evidence is currently insufficient to determine the role of this variant in disease. Therefore, it has been classified as a Variant of Uncertain Significance.

Ambry Genetics
Classification: Uncertain significance for Hereditary cancer-predisposing syndrome. Last evaluated: 2022-10-24. Review status: criteria provided, single submitter. Criteria: Ambry Variant Classification Scheme 2023. Collection method: clinical testing. Allele origin: germline.
Comment: The p.N2826S variant (also known as c.8477A>G), located in coding exon 57 of the ATM gene, results from an A to G substitution at nucleotide position 8477. The asparagine at codon 2826 is replaced by serine, an amino acid with highly similar properties. This amino acid position is poorly conserved in available vertebrate species. In addition, this alteration is predicted to be tolerated by in silico analysis. Since supporting evidence is limited at this time, the clinical significance of this alteration remains unclear.